The following is an entry in ClinVar:

NM_000038.6(APC):c.2177dup (p.Leu726fs)

Gene: APC (APC regulator of Wnt signaling pathway; plus strand). Cytogenetic location: 5q22.2.
Variant type: Duplication.
Coding change: c.2177dup on transcript NM_000038.6 (MANE Select); coding-DNA position 2177, one base duplicated (T; older notation c.2177dupT).
Protein change: p.Leu726fs; shifts the reading frame from leucine 726.
Molecular consequence: frameshift variant. On other transcripts: non-coding transcript variant (2).
Genome position (GRCh38, 1-based): chr5:112,837,771, T duplicated; the last of 3 consecutive T bases (chr5:112,837,769-112,837,771); duplicating any one gives the same sequence. VCF-style (leftmost placement, unchanged base first): chr5-112837768-C-CT. GRCh37 (hg19) VCF-style: chr5-112173465-C-CT.
Other names: c.2177dup, p.Leu726fs (NM_001127510.3, NM_001354895.2, NM_001407450.1); c.2123dup, p.Leu708fs (NM_001127511.3); c.2231dup, p.Leu744fs (NM_001354896.2, NM_001407447.1, NM_001407448.1 and 1 more transcripts); c.2207dup, p.Leu736fs (NM_001354897.2); c.2102dup, p.Leu701fs (NM_001354898.2); c.2093dup, p.Leu698fs (NM_001354899.2); c.2054dup, p.Leu685fs (NM_001354900.2); c.2000dup, p.Leu667fs (NM_001354901.2, NM_001407453.1); and 11 more; short protein forms L342fs, L443fs, L566fs, L597fs, L600fs, L625fs, L635fs, L643fs.
Identifiers: ClinVar variation 2583617 (VCV002583617.2), dbSNP rs1765118491, ClinGen allele CA2582341430.

ClinVar aggregate classification (germline): Pathogenic (1 of 4 stars; one submission).

Conditions:
Familial adenomatous polyposis 1 (FAP1). Also called: POLYPOSIS, ADENOMATOUS INTESTINAL; FAMILIAL ADENOMATOUS POLYPOSIS 1, ATTENUATED. Identifiers: MedGen C2713442, MONDO:0021056, OMIM 175100. Disease mechanism: loss of function.

Submission:

Myriad Genetics, Inc.
Classification: Pathogenic for Familial adenomatous polyposis 1. Last evaluated: 2023-05-04. Review status: criteria provided, single submitter. Criteria: Myriad Autosomal Dominant, Autosomal Recessive and X-Linked Classification Criteria (2023). Collection method: clinical testing. Allele origin: unknown.
Comment: This variant is considered pathogenic. This variant creates a frameshift predicted to result in premature protein truncation.